The following is an entry in ClinVar:

NM_006254.4(PRKCD):c.1034A>T (p.Asn345Ile)

Gene: PRKCD (protein kinase C delta; plus strand). Cytogenetic location: 3p21.1.
Variant type: single nucleotide variant.
Coding change: c.1034A>T on transcript NM_006254.4 (MANE Select); coding-DNA position 1034, A replaced by T.
Protein change: p.Asn345Ile; replaces asparagine 345 with isoleucine.
Molecular consequence: missense variant.
Genome position (GRCh38, 1-based): chr3:53,185,975, A>T. VCF-style: chr3-53185975-A-T. GRCh37 (hg19) VCF-style: chr3-53219991-A-T.
Other names: c.1034A>T, p.Asn345Ile (NM_001316327.2, NM_001354679.2, NM_001354680.2 and 1 more transcripts); c.1091A>T, p.Asn364Ile (NM_001354676.2); c.1082A>T, p.Asn361Ile (NM_001354678.2); short protein forms N345I, N361I, N364I.
Identifiers: ClinVar variation 2062694 (VCV002062694.4), dbSNP rs782756704, ClinGen allele CA353221254.

ClinVar aggregate classification (germline): Uncertain significance (1 of 4 stars; one submission).

Conditions:
Autoimmune lymphoproliferative syndrome, type III caused by mutation in PRKCD. Identifiers: Orphanet 3261, Orphanet 664711, MedGen C3809928, MONDO:8000024, OMIM 615559.

gnomAD v4.1: 1 of 1,614,232 alleles (0.000062%); highest among the groups gnomAD compares: Non-Finnish European, 0.000085%; no homozygotes.

Submission:

Labcorp Genetics (formerly Invitae), Labcorp
Classification: Uncertain significance for Autoimmune lymphoproliferative syndrome, type III caused by mutation in PRKCD. Last evaluated: 2022-05-25. Review status: criteria provided, single submitter. Criteria: Invitae Variant Classification Sherloc (09022015). Collection method: clinical testing. Allele origin: germline.
Comment: In summary, the available evidence is currently insufficient to determine the role of this variant in disease. Therefore, it has been classified as a Variant of Uncertain Significance. Algorithms developed to predict the effect of missense changes on protein structure and function are either unavailable or do not agree on the potential impact of this missense change (SIFT: "Deleterious"; PolyPhen-2: "Benign"; Align-GVGD: "Class C0"). This variant has not been reported in the literature in individuals affected with PRKCD-related conditions. This variant is not present in population databases (gnomAD no frequency). This sequence change replaces asparagine, which is neutral and polar, with isoleucine, which is neutral and non-polar, at codon 345 of the PRKCD protein (p.Asn345Ile).